The following is an entry in ClinVar:

ClinVar aggregate classification (germline): Pathogenic (1 of 4 stars; one submission).

Conditions:
Odonto-onycho-dermal dysplasia. Identifiers: Orphanet 2721, MedGen C0796093, MONDO:0009773, OMIM 257980.
Tooth agenesis, selective, 4 (STHAG4). Also called: SUCCEDANEOUS TEETH, AGENESIS OF; TOOTH AGENESIS, SELECTIVE, 4, WITH OR WITHOUT ECTODERMAL DYSPLASIA; LATERAL INCISORS, ABSENCE OF; LATERAL INCISORS, PEGGED OR MISSING. Identifiers: Orphanet 99798, MedGen C1835492, MONDO:0007881, OMIM 150400. Disease mechanism: loss of function.

Submission:

Labcorp Genetics (formerly Invitae), Labcorp
Classification: Pathogenic for Tooth agenesis, selective, 4; Odonto-onycho-dermal dysplasia. Last evaluated: 2025-11-04. Review status: criteria provided, single submitter. Criteria: Invitae Variant Classification Sherloc (09022015). Collection method: clinical testing. Allele origin: germline.
Comment: This sequence change creates a premature translational stop signal (p.Ser3Glnfs*41) in the WNT10A gene. It is expected to result in an absent or disrupted protein product. Loss-of-function variants in WNT10A are known to be pathogenic (PMID: 17847007, 22581971, 25629078). This variant is not present in population databases (gnomAD no frequency). This variant has not been reported in the literature in individuals affected with WNT10A-related conditions. For these reasons, this variant has been classified as Pathogenic.

Literature cited by the submitters: PubMed 17847007; PubMed 22581971; PubMed 25629078.

NM_025216.3(WNT10A):c.5dup (p.Ser3fs)

Gene: WNT10A (Wnt family member 10A; plus strand). Cytogenetic location: 2q35.
Variant type: Duplication.
Coding change: c.5dup on transcript NM_025216.3 (MANE Select); coding-DNA position 5, one base duplicated (G; older notation c.5dupG).
Protein change: p.Ser3fs; shifts the reading frame from serine 3.
Molecular consequence: frameshift variant, initiator codon variant.
Genome position (GRCh38, 1-based): chr2:218,881,000, G duplicated; the last of 3 consecutive G bases (chr2:218,880,998-218,881,000); duplicating any one gives the same sequence. VCF-style (leftmost placement, unchanged base first): chr2-218880997-T-TG. GRCh37 (hg19) VCF-style: chr2-219745719-T-TG.
Other names: short protein forms S3fs.
Identifiers: ClinVar variation 4786167 (VCV004786167.1).
Genomic context (GRCh38, chr2:218,880,997, plus strand): 5'-CTCTCCAGTCCCACTGGGCTGTGAGCCCCCCACTCCCAGCCCGTCAGGGCCTGCGCGCCA[T>TG]GGGCAGCGCCCACCCTCGCCCCTGGCTGCGGCTCCGACCCCAGCCCCAGCCGCGGCCAGC-3'